The following is an entry in ClinVar:

NM_024675.4(PALB2):c.1739A>G (p.Tyr580Cys)

Gene: PALB2 (partner and localizer of BRCA2; minus strand). Cytogenetic location: 16p12.2.
Variant type: single nucleotide variant.
Coding change: c.1739A>G on transcript NM_024675.4 (MANE Select); coding-DNA position 1739, A replaced by G.
Protein change: p.Tyr580Cys; replaces tyrosine 580 with cysteine.
Molecular consequence: missense variant. On other transcripts: 5 prime UTR variant (2), intron variant (1).
Genome position (GRCh38, 1-based): chr16:23,630,415, T>C on the plus strand (A>G on the coding strand, the complement: PALB2 is on the minus strand). VCF-style: chr16-23630415-T-C. GRCh37 (hg19) VCF-style: chr16-23641736-T-C.
Other names: c.1679A>G, p.Tyr560Cys (NM_001407296.1); c.1739A>G, p.Tyr580Cys (NM_001407297.1, NM_001407298.1, NM_001407299.1 and 3 more transcripts); c.854A>G, p.Tyr285Cys (NM_001407304.1, NM_001407305.1, NM_001407306.1 and 5 more transcripts); c.-50A>G (NM_001407312.1, NM_001407313.1); c.49-1140A>G (NM_001407314.1); short protein forms Y285C, Y560C, Y580C.
Identifiers: ClinVar variation 4741171 (VCV004741171.1).
Genomic context (GRCh38, chr16:23,630,415, plus strand): 5'-AAACTCAGCATTCCATCCCTATGAAATGGAGCCGTGAAAGCATCATCATCCAAGGATAAA[T>C]AAGCACTATTACTCCAAGAAAGGGAATCCTCTTTTTGATGACGACTTTTCTTCCCTAAAG-3'
Protein context (NP_078951.2, residues 570-590): EDSLSWSNSA[Tyr580Cys]LSLDDDAFTA

ClinVar aggregate classification (germline): Uncertain significance (1 of 4 stars; one submission).

Conditions:
Familial cancer of breast. Also called: BREAST CANCER, FAMILIAL; Hereditary breast cancer; hereditary breast carcinoma. Identifiers: Orphanet 227535, MedGen C0346153, MONDO:0016419, OMIM 114480. Disease mechanism: loss of function.

Submission:

Labcorp Genetics (formerly Invitae), Labcorp
Classification: Uncertain significance for Familial cancer of breast. Last evaluated: 2025-03-18. Review status: criteria provided, single submitter. Criteria: Invitae Variant Classification Sherloc (09022015). Collection method: clinical testing. Allele origin: germline.
Comment: This sequence change replaces tyrosine, which is neutral and polar, with cysteine, which is neutral and slightly polar, at codon 580 of the PALB2 protein (p.Tyr580Cys). This variant is not present in population databases (gnomAD no frequency). This missense change has been observed in individual(s) with Fanconi anemia (PMID: 34585473). Invitae Evidence Modeling of protein sequence and biophysical properties (such as structural, functional, and spatial information, amino acid conservation, physicochemical variation, residue mobility, and thermodynamic stability) indicates that this missense variant is not expected to disrupt PALB2 protein function with a negative predictive value of 80%. In summary, the available evidence is currently insufficient to determine the role of this variant in disease. Therefore, it has been classified as a Variant of Uncertain Significance.

Literature cited by the submitters: PubMed 34585473.